The following is an entry in ClinVar:

ClinVar aggregate classification (germline): Uncertain significance. Review status: criteria provided, multiple submitters, no conflicts (2 of 4 stars). 2 submissions from 2 submitters: Uncertain significance (2). Last evaluated 2023-10-11.

Conditions:
Hereditary cancer-predisposing syndrome. Also called: Neoplastic Syndromes, Hereditary; Tumor predisposition; Hereditary neoplastic syndrome; Hereditary Cancer Syndrome. Identifiers: Orphanet 140162, MedGen C0027672, MeSH D009386, MONDO:0015356.

Submissions (2):

Ambry Genetics
Classification: Uncertain significance for Hereditary cancer-predisposing syndrome. Last evaluated: 2023-10-11. Review status: criteria provided, single submitter. Criteria: Ambry Variant Classification Scheme 2023. Collection method: clinical testing. Allele origin: germline.
Comment: The p.R1858L variant (also known as c.5573G>T), located in coding exon 15 of the APC gene, results from a G to T substitution at nucleotide position 5573. The arginine at codon 1858 is replaced by leucine, an amino acid with dissimilar properties. This amino acid position is conserved. In addition, in silico predictors for this gene do not accurately predict pathogenicity. Since supporting evidence is limited at this time, the clinical significance of this alteration remains unclear.

CeGaT Center for Human Genetics Tuebingen
Classification: Uncertain significance. Last evaluated: 2020-03-01. Review status: criteria provided, single submitter. Criteria: CeGaT Center For Human Genetics Tuebingen Variant Classification Criteria Version 2. Collection method: clinical testing. Allele origin: germline. Affected: yes. Observed: 1 variant allele.

NM_000038.6(APC):c.5573G>T (p.Arg1858Leu)

Gene: APC (APC regulator of Wnt signaling pathway; plus strand). Cytogenetic location: 5q22.2.
Variant type: single nucleotide variant.
Coding change: c.5573G>T on transcript NM_000038.6 (MANE Select); coding-DNA position 5573, G replaced by T.
Protein change: p.Arg1858Leu; replaces arginine 1858 with leucine.
Molecular consequence: missense variant.
Genome position (GRCh38, 1-based): chr5:112,841,167, G>T. VCF-style: chr5-112841167-G-T. GRCh37 (hg19) VCF-style: chr5-112176864-G-T.
Other names: c.5573G>T, p.Arg1858Leu (NM_001127510.3, NM_001354895.2); c.5519G>T, p.Arg1840Leu (NM_001127511.3); c.5627G>T, p.Arg1876Leu (NM_001354896.2); c.5603G>T, p.Arg1868Leu (NM_001354897.2); c.5498G>T, p.Arg1833Leu (NM_001354898.2); c.5489G>T, p.Arg1830Leu (NM_001354899.2); c.5450G>T, p.Arg1817Leu (NM_001354900.2); c.5396G>T, p.Arg1799Leu (NM_001354901.2); and 6 more; short protein forms R1833L, R1732L, R1817L, R1698L, R1757L, R1767L, R1575L, R1799L.
Identifiers: ClinVar variation 916477 (VCV000916477.41), dbSNP rs369831474, ClinGen allele CA16033527.
Genomic context (GRCh38, chr5:112,841,167, plus strand): 5'-TTGCTTTTGATTCACCTCATCATTACACGCCTATTGAAGGAACTCCTTACTGTTTTTCAC[G>T]AAATGATTCTTTGAGTTCTCTAGATTTTGATGATGATGATGTTGACCTTTCCAGGGAAAA-3'
Protein context (NP_000029.2, residues 1848-1868): PIEGTPYCFS[Arg1858Leu]NDSLSSLDFD